The following is an entry in ClinVar:

ClinVar aggregate classification (germline): Uncertain significance. Review status: criteria provided, single submitter (1 of 4 stars). 2 submissions from 2 submitters: Uncertain significance (1). 1 of the submissions does not count toward it. Last evaluated 2022-08-16.

Conditions:
Epidermolysis bullosa dystrophica inversa, autosomal recessive. Identifiers: MedGen C2673612.

Allele frequency attached by ClinVar (database versions not stated): gnomAD exomes below 0.00001 and 0.00001; TOPMed 0.00001; ESP Exome Variant Server 0.00008.
gnomAD v4.1: 10 of 1,613,990 alleles (0.00062%); highest among the groups gnomAD compares: Middle Eastern, 0.016%; no homozygotes.

Submissions (2):

Labcorp Genetics (formerly Invitae), Labcorp
Classification: Uncertain significance. Last evaluated: 2022-08-16. Review status: criteria provided, single submitter. Criteria: Invitae Variant Classification Sherloc (09022015). Collection method: clinical testing. Allele origin: germline.
Comment: This sequence change replaces arginine, which is basic and polar, with glutamine, which is neutral and polar, at codon 2471 of the COL7A1 protein (p.Arg2471Gln). This variant is present in population databases (rs369221071, gnomAD 0.0009%). This variant has not been reported in the literature in individuals affected with COL7A1-related conditions. ClinVar contains an entry for this variant (Variation ID: 990821). Advanced modeling of protein sequence and biophysical properties (such as structural, functional, and spatial information, amino acid conservation, physicochemical variation, residue mobility, and thermodynamic stability) performed at Invitae indicates that this missense variant is expected to disrupt COL7A1 protein function. In summary, the available evidence is currently insufficient to determine the role of this variant in disease. Therefore, it has been classified as a Variant of Uncertain Significance.

Natera, Inc.
Classification: Uncertain significance for Autosomal recessive epidermolysis bullosa dystrophica inversa. Last evaluated: 2020-08-21. Review status: no assertion criteria provided. Collection method: clinical testing. Allele origin: germline. Not counted in ClinVar's aggregate classification.

NM_000094.4(COL7A1):c.7412G>A (p.Arg2471Gln)

Gene: COL7A1 (collagen type VII alpha 1 chain; minus strand). Cytogenetic location: 3p21.31.
Variant type: single nucleotide variant.
Coding change: c.7412G>A on transcript NM_000094.4 (MANE Select); coding-DNA position 7412, G replaced by A.
Protein change: p.Arg2471Gln; replaces arginine 2471 with glutamine.
Molecular consequence: missense variant.
Genome position (GRCh38, 1-based): chr3:48,570,303, C>T on the plus strand (G>A on the coding strand, the complement: COL7A1 is on the minus strand). VCF-style: chr3-48570303-C-T. GRCh37 (hg19) VCF-style: chr3-48607736-C-T.
Other names: short protein forms R2471Q.
Identifiers: ClinVar variation 990821 (VCV000990821.3), dbSNP rs369221071, ClinGen allele CA73974151.
Genomic context (GRCh38, chr3:48,570,303, plus strand): 5'-GGGAGTTCGGCTGTGGAGTAAGACATACGTACCCGGATGCCTGGCTCCCCACGCTCGCCT[C>T]GGGGCCCAGGCAGCCCTACTCCAGGGTCTCCCTGGAGACCAACAGGACACCGGGGATCAG-3'
Protein context (NP_000085.1, residues 2461-2481): GDPGVGLPGP[Arg2471Gln]GERGEPGIRG